The following is an entry in ClinVar:

NM_006904.7(PRKDC):c.4250C>T (p.Thr1417Ile)

Gene: PRKDC (protein kinase, DNA-activated, catalytic subunit; minus strand). Cytogenetic location: 8q11.21.
Variant type: single nucleotide variant.
Coding change: c.4250C>T on transcript NM_006904.7 (MANE Select); coding-DNA position 4250, C replaced by T.
Protein change: p.Thr1417Ile; replaces threonine 1417 with isoleucine.
Molecular consequence: missense variant.
Genome position (GRCh38, 1-based): chr8:47,889,044, G>A on the plus strand (C>T on the coding strand, the complement: PRKDC is on the minus strand). VCF-style: chr8-47889044-G-A. GRCh37 (hg19) VCF-style: chr8-48801605-G-A.
Other names: c.4250C>T, p.Thr1417Ile (NM_001081640.2); short protein forms T1417I.
Identifiers: ClinVar variation 3425243 (VCV003425243.1).

ClinVar aggregate classification (germline): Uncertain significance (1 of 4 stars; one submission).

Submission:

Ambry Genetics
Classification: Uncertain significance. Last evaluated: 2024-07-28. Review status: criteria provided, single submitter. Criteria: Ambry Variant Classification Scheme 2023. Collection method: clinical testing. Allele origin: germline.
Comment: The p.T1417I variant (also known as c.4250C>T), located in coding exon 33 of the PRKDC gene, results from a C to T substitution at nucleotide position 4250. The threonine at codon 1417 is replaced by isoleucine, an amino acid with similar properties. This amino acid position is conserved. Based on the available evidence, the clinical significance of this variant remains unclear.